The following is an entry in ClinVar:

ClinVar aggregate classification (germline): Pathogenic. Review status: criteria provided, multiple submitters, no conflicts (2 of 4 stars). 7 submissions from 7 submitters: Pathogenic (7). Last evaluated 2025-02-04.

Conditions:
Sotos syndrome (SOTOS). Also called: Distinctive facial appearance, overgrowth in childhood, and learning disabilities or delayed development; CEREBRAL GIGANTISM; Sotos' syndrome; CHROMOSOME 5q35 DELETION SYNDROME; SOTOS SYNDROME 1. Identifiers: Orphanet 821, MedGen C0175695, MONDO:0019349, OMIM 117550.

Submissions (7):

Women's Health and Genetics/Laboratory Corporation of America, LabCorp
Classification: Pathogenic for Sotos syndrome. Last evaluated: 2025-02-04. Review status: criteria provided, single submitter. Criteria: LabCorp Variant Classification Summary - May 2015. Collection method: clinical testing. Allele origin: germline.
Comment: Variant summary: NSD1 c.3214C>T (p.Arg1072X) results in a premature termination codon, predicted to cause a truncation of the encoded protein or absence of the protein due to nonsense mediated decay, which are commonly known mechanisms for disease. The variant was absent in 250642 control chromosomes. c.3214C>T has been reported in the literature in individuals affected with Sotos Syndrome (example: Tatton-Brown_2005). These data indicate that the variant may be associated with disease. The following publication has been ascertained in the context of this evaluation (PMID: 15942875). ClinVar contains an entry for this variant (Variation ID: 159303). Based on the evidence outlined above, the variant was classified as pathogenic.

Fulgent Genetics
Classification: Pathogenic for Sotos syndrome. Last evaluated: 2024-04-22. Review status: criteria provided, single submitter. Criteria: ACMG Guidelines, 2015. Collection method: clinical testing. Allele origin: germline.

GeneDx
Classification: Pathogenic. Last evaluated: 2024-01-28. Review status: criteria provided, single submitter. Criteria: GeneDx Variant Classification Process June 2021. Collection method: clinical testing. Allele origin: germline. Affected: yes.
Comment: Nonsense variant predicted to result in protein truncation or nonsense mediated decay in a gene for which loss-of-function is a known mechanism of disease; Not observed at significant frequency in large population cohorts (gnomAD); This variant is associated with the following publications: (PMID: 25525159, 12807965, 15942875, 33942996, 34033256)

Labcorp Genetics (formerly Invitae), Labcorp
Classification: Pathogenic. Last evaluated: 2022-12-04. Review status: criteria provided, single submitter. Criteria: Invitae Variant Classification Sherloc (09022015). Collection method: clinical testing. Allele origin: germline.
Comment: This variant is not present in population databases (gnomAD no frequency). This premature translational stop signal has been observed in individual(s) with clinical features of Sotos syndrome (PMID: 12807965, 15942875). ClinVar contains an entry for this variant (Variation ID: 159303). For these reasons, this variant has been classified as Pathogenic. This sequence change creates a premature translational stop signal (p.Arg1072*) in the NSD1 gene. It is expected to result in an absent or disrupted protein product. Loss-of-function variants in NSD1 are known to be pathogenic (PMID: 12464997, 14571271, 15942875, 16247291).

Genome-Nilou Lab
Classification: Pathogenic for Sotos syndrome. Last evaluated: 2021-07-15. Review status: criteria provided, single submitter. Criteria: ACMG Guidelines, 2015. Collection method: clinical testing. Allele origin: germline. Affected: no.

Eurofins Ntd Llc (ga)
Classification: Pathogenic. Last evaluated: 2018-06-22. Review status: criteria provided, single submitter. Criteria: EGL ClinVar v180209 classification definitions. Collection method: clinical testing. Allele origin: germline. Observed: 1 variant allele, 1 heterozygote.

Genetic Services Laboratory, University of Chicago
Classification: Pathogenic for Sotos syndrome 1. Last evaluated: 2013-02-08. Review status: criteria provided, single submitter. Criteria: ACMG Guidelines, 2007. Collection method: clinical testing. Allele origin: germline. Inheritance: Autosomal dominant inheritance. Affected: yes.

Literature cited by the submitters: PubMed 15942875 (cited by 3 submitters); PubMed 12807965 (cited by Labcorp Genetics (formerly Invitae), Labcorp and Eurofins Ntd Llc (ga)); PubMed 12464997 (cited by Labcorp Genetics (formerly Invitae), Labcorp); PubMed 14571271 (cited by Labcorp Genetics (formerly Invitae), Labcorp); PubMed 16247291 (cited by Labcorp Genetics (formerly Invitae), Labcorp).

NM_022455.5(NSD1):c.3214C>T (p.Arg1072Ter)

Gene: NSD1 (nuclear receptor binding SET domain protein 1; plus strand). Cytogenetic location: 5q35.3.
Variant type: single nucleotide variant.
Coding change: c.3214C>T on transcript NM_022455.5 (MANE Select); coding-DNA position 3214, C replaced by T.
Protein change: p.Arg1072Ter; replaces arginine 1072 with a stop codon.
Molecular consequence: nonsense.
Genome position (GRCh38, 1-based): chr5:177,211,613, C>T. VCF-style: chr5-177211613-C-T. GRCh37 (hg19) VCF-style: chr5-176638614-C-T.
Other names: c.2341C>T, p.Arg781Ter (NM_001365684.2, NM_172349.5, NM_001409306.1 and 3 more transcripts); c.3214C>T, p.Arg1072Ter (NM_001409301.1, NM_001409302.1, NM_001409303.1); c.2794C>T, p.Arg932Ter (NM_001409304.1); c.2461C>T, p.Arg821Ter (NM_001409305.1); short protein forms R1072*, R803*, R932*, R781*, R821*.
Identifiers: ClinVar variation 159303 (VCV000159303.24), dbSNP rs587784098, ClinGen allele CA294846.